The following is an entry in ClinVar:

ClinVar aggregate classification (germline): Uncertain significance (1 of 4 stars; one submission).

Conditions:
Sandestig-stefanova syndrome. Identifiers: MedGen C5394118, MONDO:0032926, OMIM 618804.

Submission:

Juno Genomics, Hangzhou Juno Genomics, Inc
Classification: Uncertain significance for Sandestig-stefanova syndrome. Review status: criteria provided, single submitter. Criteria: ACMG Guidelines, 2015. Collection method: clinical testing. Allele origin: germline.
Comment: Absent from controls (or at extremely low frequency if recessive) in Genome Aggregation Database.;Multiple lines of computational evidence support a deleterious effect on the gene or gene product.

NM_015354.3(NUP188):c.162-48T>G

Gene: NUP188 (nucleoporin 188; plus strand). Cytogenetic location: 9q34.11.
Variant type: single nucleotide variant.
Coding change: c.162-48T>G on transcript NM_015354.3 (MANE Select); 48 bases into the intron before coding-DNA position 162, T replaced by G.
Molecular consequence: intron variant.
Genome position (GRCh38, 1-based): chr9:128,956,302, T>G. VCF-style: chr9-128956302-T-G. GRCh37 (hg19) VCF-style: chr9-131718581-T-G.
Identifiers: ClinVar variation 5007399 (VCV005007399.2).